The following is an entry in ClinVar:

NM_033380.3(COL4A5):c.71del (p.Ala24fs)

Gene: COL4A5 (collagen type IV alpha 5 chain; plus strand). Cytogenetic location: Xq22.3.
Variant type: Deletion.
Coding change: c.71del on transcript NM_033380.3 (MANE Select); coding-DNA position 71, one base deleted (C; older notation c.71delC).
Protein change: p.Ala24fs; shifts the reading frame from alanine 24.
Molecular consequence: frameshift variant.
Genome position (GRCh38, 1-based): chrX:108,440,196, C deleted. VCF-style (leftmost placement, unchanged base first): chrX-108440195-GC-G. GRCh37 (hg19) VCF-style: chrX-107683425-GC-G.
Other names: c.71del, p.Ala24fs (NM_000495.5); short protein forms A24fs.
Identifiers: ClinVar variation 5011631 (VCV005011631.1).

ClinVar aggregate classification (germline): Pathogenic (1 of 4 stars; one submission).

Conditions:
X-linked Alport syndrome (ATS1). Also called: NEPHROPATHY AND DEAFNESS, X-LINKED; COL4A5-Related Nephropathy. Identifiers: Orphanet 63, Orphanet 88917, MedGen C4746986, MONDO:0010520, OMIM 301050.

Submission:

Myriad Genetics, Inc.
Classification: Pathogenic for X-linked Alport syndrome. Last evaluated: 2023-09-10. Review status: criteria provided, single submitter. Criteria: Myriad Autosomal Dominant, Autosomal Recessive and X-Linked Classification Criteria (2023). Collection method: clinical testing. Allele origin: unknown.
Comment: NM_000495.4(COL4A5):c.71delC(A24Efs*20) is expected to be pathogenic in the context of X-linked Alport syndrome. This variant is predicted to lead to an abnormal or absent protein product due to the creation of a premature termination codon in COL4A5, a gene where loss-of-function variants are known to be pathogenic. Please note: this variant was assessed in the context of healthy population screening.